The following is an entry in ClinVar:

ClinVar aggregate classification (germline): Uncertain significance. Review status: criteria provided, multiple submitters, no conflicts (2 of 4 stars). 2 submissions from 2 submitters: Uncertain significance (2). Last evaluated 2023-08-03.

Conditions:
Sphingolipid activator protein 1 deficiency. Also called: METACHROMATIC LEUKODYSTROPHY DUE TO CEREBROSIDE SULFATASE ACTIVATOR DEFICIENCY; Saposin B Deficiency; Metachromatic leukodystrophy due to saposin B deficiency. Identifiers: Orphanet 512, MedGen C0268262, MONDO:0009590, OMIM 249900.

Allele frequency attached by ClinVar (database versions not stated): gnomAD exomes 0.00001; ExAC 0.00003; gnomAD 0.00003; TOPMed 0.00006; ESP Exome Variant Server 0.00015.

Submissions (2):

Mayo Clinic Laboratories, Mayo Clinic
Classification: Uncertain significance. Last evaluated: 2023-08-03. Review status: criteria provided, single submitter. Criteria: ACMG Guidelines, 2015. Collection method: clinical testing. Allele origin: germline. Observed: 1 variant allele.
Comment: BP4

Labcorp Genetics (formerly Invitae), Labcorp
Classification: Uncertain significance for Sphingolipid activator protein 1 deficiency. Last evaluated: 2022-08-09. Review status: criteria provided, single submitter. Criteria: Invitae Variant Classification Sherloc (09022015). Collection method: clinical testing. Allele origin: germline.
Comment: This sequence change replaces valine, which is neutral and non-polar, with isoleucine, which is neutral and non-polar, at codon 52 of the PSAP protein (p.Val52Ile). This variant is present in population databases (rs147920923, gnomAD 0.02%). This variant has not been reported in the literature in individuals affected with PSAP-related conditions. Algorithms developed to predict the effect of missense changes on protein structure and function output the following: SIFT: "Not Available"; PolyPhen-2: "Possibly Damaging"; Align-GVGD: "Not Available". The isoleucine amino acid residue is found in multiple mammalian species, which suggests that this missense change does not adversely affect protein function. In summary, the available evidence is currently insufficient to determine the role of this variant in disease. Therefore, it has been classified as a Variant of Uncertain Significance.

NM_002778.4(PSAP):c.154G>A (p.Val52Ile)

Gene: PSAP (prosaposin; minus strand). Cytogenetic location: 10q22.1.
Variant type: single nucleotide variant.
Coding change: c.154G>A on transcript NM_002778.4 (MANE Select); coding-DNA position 154, G replaced by A.
Protein change: p.Val52Ile; replaces valine 52 with isoleucine.
Molecular consequence: missense variant.
Genome position (GRCh38, 1-based): chr10:71,834,392, C>T on the plus strand (G>A on the coding strand, the complement: PSAP is on the minus strand). VCF-style: chr10-71834392-C-T. GRCh37 (hg19) VCF-style: chr10-73594149-C-T.
Other names: p.Val52Ile; c.154G>A, p.Val52Ile (NM_001042465.3, NM_001042466.3); short protein forms V52I.
Identifiers: ClinVar variation 2151565 (VCV002151565.2), dbSNP rs147920923, ClinGen allele CA5547883.